The following is an entry in ClinVar:

ClinVar aggregate classification (germline): Likely pathogenic (1 of 4 stars; one submission).

Submission:

GeneDx
Classification: Likely pathogenic. Last evaluated: 2024-09-03. Review status: criteria provided, single submitter. Criteria: GeneDx Variant Classification Process June 2021. Collection method: clinical testing. Allele origin: germline. Affected: yes.
Comment: In-frame deletion of 1 amino acid in a non-repeat region; Not observed at significant frequency in large population cohorts (gnomAD); In silico analysis supports a deleterious effect on protein structure/function; This variant is associated with the following publications: (PMID: 17090781, 22008521)

NM_001009944.3(PKD1):c.7295TGC[1] (p.Leu2433del)

Gene: PKD1 (polycystin 1, transient receptor potential channel interacting; minus strand). Cytogenetic location: 16p13.3.
Variant type: Microsatellite.
Coding change: c.7295TGC[1] on transcript NM_001009944.3 (MANE Select); one copy of the 3-base unit TGC starting at c.7295; the reference has two copies in a row; one copy, 3 bases deleted; also written c.7298_7300del.
Protein change: p.Leu2433del; deletes leucine 2433.
Molecular consequence: inframe indel (on NM_001009944.2).
Genome position (GRCh38, 1-based): chr16:2,106,587-2,106,589, GCA deleted on the plus strand (TGC on the coding strand, the reverse complement: PKD1 is on the minus strand); deleting any 3 consecutive bases within chr16:2,106,587-2,106,592 gives the same sequence; the position shown is the placement nearest the transcript's 3' end. VCF-style (leftmost placement, unchanged base first): chr16-2106586-CGCA-C. GRCh37 (hg19) VCF-style: chr16-2156587-CGCA-C.
Other names: c.7295TGC[1], p.Leu2433del (NM_000296.4); c.7295_7297TGC[1], p.Leu2433del (NM_001009944.2); c.7298_7300del (NM_001009944.2); short protein forms L2433del.
Identifiers: ClinVar variation 3766016 (VCV003766016.1).